The following is an entry in ClinVar:

ClinVar aggregate classification (germline): Uncertain significance. Review status: criteria provided, multiple submitters, no conflicts (2 of 4 stars). 2 submissions from 2 submitters: Uncertain significance (2). Last evaluated 2024-06-05.

Allele frequency attached by ClinVar (database versions not stated): ExAC 0.00002; TOPMed 0.00002; gnomAD 0.00003.
gnomAD v4.1: 34 of 1,602,862 alleles (0.0021%); highest among the groups gnomAD compares: Admixed American, 0.0033%; no homozygotes.

Submissions (2):

Blueprint Genetics
Classification: Uncertain significance. Last evaluated: 2024-06-05. Review status: criteria provided, single submitter. Criteria: ACMG Guidelines, 2015. Collection method: clinical testing. Allele origin: germline.

Labcorp Genetics (formerly Invitae), Labcorp
Classification: Uncertain significance. Last evaluated: 2021-10-17. Review status: criteria provided, single submitter. Criteria: Invitae Variant Classification Sherloc (09022015). Collection method: clinical testing. Allele origin: germline.
Comment: This sequence change replaces arginine with lysine at codon 295 of the CNGB3 protein (p.Arg295Lys). The arginine residue is highly conserved and there is a small physicochemical difference between arginine and lysine. This variant is present in population databases (rs778013642, ExAC 0.009%). This variant has not been reported in the literature in individuals with CNGB3-related conditions. Algorithms developed to predict the effect of missense changes on protein structure and function output the following: SIFT: "Tolerated"; PolyPhen-2: "Benign"; Align-GVGD: "Class C0". The lysine amino acid residue is found in multiple mammalian species, suggesting that this missense change does not adversely affect protein function. These predictions have not been confirmed by published functional studies and their clinical significance is uncertain. In summary, the available evidence is currently insufficient to determine the role of this variant in disease. Therefore, it has been classified as a Variant of Uncertain Significance.

NM_019098.5(CNGB3):c.884G>A (p.Arg295Lys)

Gene: CNGB3 (cyclic nucleotide gated channel subunit beta 3; minus strand). Cytogenetic location: 8q21.3.
Variant type: single nucleotide variant.
Coding change: c.884G>A on transcript NM_019098.5 (MANE Select); coding-DNA position 884, G replaced by A.
Protein change: p.Arg295Lys; replaces arginine 295 with lysine.
Molecular consequence: missense variant.
Genome position (GRCh38, 1-based): chr8:86,654,031, C>T on the plus strand (G>A on the coding strand, the complement: CNGB3 is on the minus strand). VCF-style: chr8-86654031-C-T. GRCh37 (hg19) VCF-style: chr8-87666259-C-T.
Other names: short protein forms R295K.
Identifiers: ClinVar variation 2162786 (VCV002162786.2), dbSNP rs778013642, ClinGen allele CA4800242.